The following is an entry in ClinVar:

NM_006231.4(POLE):c.1889T>C (p.Met630Thr)

Gene: POLE (DNA polymerase epsilon, catalytic subunit; minus strand). Cytogenetic location: 12q24.33.
Variant type: single nucleotide variant.
Coding change: c.1889T>C on transcript NM_006231.4 (MANE Select); coding-DNA position 1889, T replaced by C.
Protein change: p.Met630Thr; replaces methionine 630 with threonine.
Molecular consequence: missense variant.
Genome position (GRCh38, 1-based): chr12:132,668,845, A>G on the plus strand (T>C on the coding strand, the complement: POLE is on the minus strand). VCF-style: chr12-132668845-A-G. GRCh37 (hg19) VCF-style: chr12-133245431-A-G.
Other names: short protein forms M630T.
Identifiers: ClinVar variation 848716 (VCV000848716.11), dbSNP rs2042858731, ClinGen allele CA387355337.

ClinVar aggregate classification (germline): Uncertain significance. Review status: criteria provided, multiple submitters, no conflicts (2 of 4 stars). 2 submissions from 2 submitters: Uncertain significance (2). Last evaluated 2022-08-16.

Conditions:
Hereditary cancer-predisposing syndrome. Also called: Tumor predisposition; Neoplastic Syndromes, Hereditary; Hereditary neoplastic syndrome; Hereditary Cancer Syndrome. Identifiers: Orphanet 140162, MedGen C0027672, MeSH D009386, MONDO:0015356.

Allele frequency attached by ClinVar (database versions not stated): gnomAD exomes below 0.00001; TOPMed below 0.00001.
gnomAD v4.1: 1 of 1,614,152 alleles (0.000062%); highest among the groups gnomAD compares: Non-Finnish European, 0.000085%; no homozygotes.

Submissions (2):

Ambry Genetics
Classification: Uncertain significance for Hereditary cancer-predisposing syndrome. Last evaluated: 2022-08-16. Review status: criteria provided, single submitter. Criteria: Ambry Variant Classification Scheme 2023. Collection method: clinical testing. Allele origin: germline.
Comment: The p.M630T variant (also known as c.1889T>C), located in coding exon 17 of the POLE gene, results from a T to C substitution at nucleotide position 1889. The methionine at codon 630 is replaced by threonine, an amino acid with similar properties. This amino acid position is conserved. In addition, this alteration is predicted to be deleterious by in silico analysis. Since supporting evidence is limited at this time, the clinical significance of this alteration remains unclear.

Labcorp Genetics (formerly Invitae), Labcorp
Classification: Uncertain significance. Last evaluated: 2022-07-08. Review status: criteria provided, single submitter. Criteria: Invitae Variant Classification Sherloc (09022015). Collection method: clinical testing. Allele origin: germline.
Comment: In summary, the available evidence is currently insufficient to determine the role of this variant in disease. Therefore, it has been classified as a Variant of Uncertain Significance. Algorithms developed to predict the effect of missense changes on protein structure and function (SIFT, PolyPhen-2, Align-GVGD) all suggest that this variant is likely to be disruptive. ClinVar contains an entry for this variant (Variation ID: 848716). This variant has not been reported in the literature in individuals affected with POLE-related conditions. This variant is not present in population databases (gnomAD no frequency). This sequence change replaces methionine, which is neutral and non-polar, with threonine, which is neutral and polar, at codon 630 of the POLE protein (p.Met630Thr).